The following is an entry in ClinVar:

ClinVar aggregate classification (germline): Benign/Likely benign. Review status: criteria provided, multiple submitters, no conflicts (2 of 4 stars). 3 submissions from 3 submitters: Benign (1); Likely benign (1). 1 of the submissions does not count toward it. Last evaluated 2025-02-10.

Conditions:
Kabuki syndrome. Also called: NIIKAWA-KUROKI SYNDROME; Kabuki make-up syndrome. Identifiers: Orphanet 2322, MedGen C0796004, MONDO:0016512.
KMT2D-related disorder. Also called: KMT2D-Related Disorders.

Allele frequency attached by ClinVar (database versions not stated): gnomAD 0.00001; TOPMed 0.00001; ExAC 0.00003.
gnomAD v4.1: 18 of 1,613,834 alleles (0.0011%); highest among the groups gnomAD compares: Admixed American, 0.005%; no homozygotes.

Submissions (3):

Labcorp Genetics (formerly Invitae), Labcorp
Classification: Benign for Kabuki syndrome. Last evaluated: 2025-02-10. Review status: criteria provided, single submitter. Criteria: Invitae Variant Classification Sherloc (09022015). Collection method: clinical testing. Allele origin: germline.

CeGaT Center for Human Genetics Tuebingen
Classification: Likely benign. Last evaluated: 2023-04-01. Review status: criteria provided, single submitter. Criteria: CeGaT Center For Human Genetics Tuebingen Variant Classification Criteria Version 2. Collection method: clinical testing. Allele origin: germline. Affected: yes. Observed: 1 variant allele.
Comment: KMT2D: BP4, BP7

PreventionGenetics, part of Exact Sciences
Classification: Likely benign for KMT2D-related condition. Last evaluated: 2022-01-17. Review status: no assertion criteria provided. Collection method: clinical testing. Allele origin: germline. Not counted in ClinVar's aggregate classification.
Comment: This variant is classified as likely benign based on ACMG/AMP sequence variant interpretation guidelines (Richards et al. 2015 PMID: 25741868, with internal and published modifications).

NM_003482.4(KMT2D):c.3150C>T (p.Ser1050=)

Gene: KMT2D (lysine methyltransferase 2D; minus strand). Cytogenetic location: 12q13.12.
Variant type: single nucleotide variant.
Coding change: c.3150C>T on transcript NM_003482.4 (MANE Select); coding-DNA position 3150, C replaced by T.
Protein change: p.Ser1050=; no amino-acid change (serine 1050 retained).
Molecular consequence: synonymous variant.
Genome position (GRCh38, 1-based): chr12:49,050,438, G>A on the plus strand (C>T on the coding strand, the complement: KMT2D is on the minus strand). VCF-style: chr12-49050438-G-A. GRCh37 (hg19) VCF-style: chr12-49444221-G-A.
Identifiers: ClinVar variation 2160889 (VCV002160889.28), dbSNP rs776139328, ClinGen allele CA6548108.